The following is an entry in ClinVar:

ClinVar aggregate classification (germline): Uncertain significance. Review status: criteria provided, multiple submitters, no conflicts (2 of 4 stars). 2 submissions from 2 submitters: Uncertain significance (2). Last evaluated 2025-10-05.

Conditions:
Cardiovascular phenotype. Identifiers: MedGen CN230736.

Allele frequency attached by ClinVar (database versions not stated): TOPMed below 0.00001; gnomAD 0.00001; gnomAD exomes 0.00001.
gnomAD v4.1: 10 of 1,613,120 alleles (0.00062%); highest among the groups gnomAD compares: African/African-American, 0.0013%; no homozygotes.

Submissions (2):

Ambry Genetics
Classification: Uncertain significance for Cardiovascular phenotype. Last evaluated: 2025-10-05. Review status: criteria provided, single submitter. Criteria: Ambry Variant Classification Scheme 2023. Collection method: clinical testing. Allele origin: germline.
Comment: The p.G718R variant (also known as c.2152G>A), located in coding exon 16 of the MYH6 gene, results from a G to A substitution at nucleotide position 2152. The glycine at codon 718 is replaced by arginine, an amino acid with dissimilar properties. This amino acid position is conserved. In addition, the in silico prediction for this alteration is inconclusive. Based on the available evidence, the clinical significance of this variant remains unclear.

CeGaT Center for Human Genetics Tuebingen
Classification: Uncertain significance. Last evaluated: 2022-07-01. Review status: criteria provided, single submitter. Criteria: CeGaT Center For Human Genetics Tuebingen Variant Classification Criteria Version 2. Collection method: clinical testing. Allele origin: germline. Affected: yes. Observed: 1 variant allele.
Comment: MYH6: PP3

NM_002471.4(MYH6):c.2152G>A (p.Gly718Arg)

Gene: MYH6 (myosin heavy chain 6; minus strand). Cytogenetic location: 14q11.2.
Variant type: single nucleotide variant.
Coding change: c.2152G>A on transcript NM_002471.4 (MANE Select); coding-DNA position 2152, G replaced by A.
Protein change: p.Gly718Arg; replaces glycine 718 with arginine.
Molecular consequence: missense variant.
Genome position (GRCh38, 1-based): chr14:23,396,979, C>T on the plus strand (G>A on the coding strand, the complement: MYH6 is on the minus strand). VCF-style: chr14-23396979-C-T. GRCh37 (hg19) VCF-style: chr14-23866188-C-T.
Other names: c.2152G>A (NM_002471.3); short protein forms G718R.
Identifiers: ClinVar variation 1701227 (VCV001701227.31), dbSNP rs1197844622, ClinGen allele CA389017560.